The following is an entry in ClinVar:

ClinVar aggregate classification (germline): Pathogenic (1 of 4 stars; one submission).

Submission:

Labcorp Genetics (formerly Invitae), Labcorp
Classification: Pathogenic. Last evaluated: 2023-03-07. Review status: criteria provided, single submitter. Criteria: Invitae Variant Classification Sherloc (09022015). Collection method: clinical testing. Allele origin: germline.
Comment: For these reasons, this variant has been classified as Pathogenic. This variant has not been reported in the literature in individuals affected with USH2A-related conditions. This variant is not present in population databases (gnomAD no frequency). This sequence change creates a premature translational stop signal (p.Asn833Thrfs*23) in the USH2A gene. It is expected to result in an absent or disrupted protein product. Loss-of-function variants in USH2A are known to be pathogenic (PMID: 10729113, 10909849, 20507924, 25649381).

Literature cited by the submitters: PubMed 10729113; PubMed 10909849; PubMed 20507924; PubMed 25649381.

NM_206933.4(USH2A):c.2498del (p.Asn833fs)

Genes: USH2A (usherin; minus strand), LOC122152296 (Sharpr-MPRA regulatory region 8762; plus strand). Cytogenetic location: 1q41.
Variant type: Deletion.
Coding change: c.2498del on transcript NM_206933.4 (MANE Select); coding-DNA position 2498, one base deleted (A; older notation c.2498delA).
Protein change: p.Asn833fs; shifts the reading frame from asparagine 833.
Molecular consequence: frameshift variant.
Genome position (GRCh38, 1-based): chr1:216,246,896, T deleted on the plus strand (A on the coding strand, the reverse complement: USH2A is on the minus strand); the first of 3 consecutive T bases (chr1:216,246,896-216,246,898); deleting any one gives the same sequence. VCF-style (leftmost placement, unchanged base first): chr1-216246895-GT-G. GRCh37 (hg19) VCF-style: chr1-216420237-GT-G.
Other names: c.2498del, p.Asn833fs (NM_007123.6); short protein forms N833fs.
Identifiers: ClinVar variation 2841266 (VCV002841266.3), dbSNP rs2528162523, ClinGen allele CA2739275653.